The following is an entry in ClinVar:

ClinVar aggregate classification (germline): Uncertain significance. Review status: criteria provided, single submitter (1 of 4 stars). 2 submissions from 2 submitters: Uncertain significance (1). 1 of the submissions does not count toward it. Last evaluated 2024-01-11.

Conditions:
TBX20-related disorder. Also called: TBX20-related condition.

Submissions (2):

GeneDx
Classification: Uncertain significance. Last evaluated: 2024-01-11. Review status: criteria provided, single submitter. Criteria: GeneDx Variant Classification Process June 2021. Collection method: clinical testing. Allele origin: germline. Affected: yes.
Comment: Not observed at significant frequency in large population cohorts (gnomAD); In-frame deletion of 2 amino acids and in frame insertion of 2 amino acids in a non-repeat region; In silico analysis supports a deleterious effect on protein structure/function; Has not been previously published as pathogenic or benign to our knowledge

PreventionGenetics, part of Exact Sciences
Classification: Uncertain significance for TBX20-related condition. Last evaluated: 2024-01-17. Review status: no assertion criteria provided. Collection method: clinical testing. Allele origin: germline. Not counted in ClinVar's aggregate classification.
Comment: The TBX20 c.953_955delinsAGA variant is predicted to result in an in-frame deletion and insertion. To our knowledge, this variant has not been reported in the literature or in a large population database, indicating this variant is rare. At this time, the clinical significance of this variant is uncertain due to the absence of conclusive functional and genetic evidence.

NM_001077653.2(TBX20):c.953_955delinsAGA (p.Gly318_Gly319delinsGluArg)

Gene: TBX20 (T-box transcription factor 20; minus strand). Cytogenetic location: 7p14.2.
Variant type: Indel.
Coding change: c.953_955delinsAGA on transcript NM_001077653.2 (MANE Select); coding-DNA positions 953 to 955, GAG replaced by AGA.
Protein change: p.Gly318_Gly319delinsGluArg.
Molecular consequence: missense variant.
Genome position (GRCh38, 1-based): chr7:35,204,518-35,204,520, CTC replaced by TCT on the plus strand (GAG replaced by AGA on the coding strand, the reverse complement: TBX20 is on the minus strand). VCF-style: chr7-35204518-CTC-TCT. GRCh37 (hg19) VCF-style: chr7-35244130-CTC-TCT.
Identifiers: ClinVar variation 3047068 (VCV003047068.3), dbSNP rs2546981528, ClinGen allele CA2740097332.
Genomic context (GRCh38, chr7:35,204,518, plus strand): 5'-AAACTACCTTACCTCGATTTGGGGTTGTCTGACTCTCATCCCCCAAGACATCTTCTTCTC[CTC>TCT]CGTAGGTACGGATGGGTGAGCGTGCATAGGAATGCTTTTGAATCAGGCTCTCCACACTTT-3'